The following is an entry in ClinVar:

NM_000038.6(APC):c.3324T>C (p.Asn1108=)

Gene: APC (APC regulator of Wnt signaling pathway; plus strand). Cytogenetic location: 5q22.2.
Variant type: single nucleotide variant.
Coding change: c.3324T>C on transcript NM_000038.6 (MANE Select); coding-DNA position 3324, T replaced by C.
Protein change: p.Asn1108=; no amino-acid change (asparagine 1108 retained).
Molecular consequence: synonymous variant. On other transcripts: non-coding transcript variant (2).
Genome position (GRCh38, 1-based): chr5:112,838,918, T>C. VCF-style: chr5-112838918-T-C. GRCh37 (hg19) VCF-style: chr5-112174615-T-C.
Other names: c.3324T>C, p.Asn1108= (NM_001127510.3, NM_001354895.2, NM_001407450.1); c.3270T>C, p.Asn1090= (NM_001127511.3); c.3378T>C, p.Asn1126= (NM_001354896.2, NM_001407447.1, NM_001407448.1 and 1 more transcripts); c.3354T>C, p.Asn1118= (NM_001354897.2); c.3249T>C, p.Asn1083= (NM_001354898.2); c.3240T>C, p.Asn1080= (NM_001354899.2); c.3201T>C, p.Asn1067= (NM_001354900.2); c.3147T>C, p.Asn1049= (NM_001354901.2, NM_001407453.1); and 11 more.
Identifiers: ClinVar variation 3148747 (VCV003148747.1), dbSNP rs1765394805, ClinGen allele CA445963618.

ClinVar aggregate classification (germline): Benign (1 of 4 stars; one submission).

Conditions:
Familial adenomatous polyposis 1 (FAP1). Also called: POLYPOSIS, ADENOMATOUS INTESTINAL; FAMILIAL ADENOMATOUS POLYPOSIS 1, ATTENUATED. Identifiers: MedGen C2713442, MONDO:0021056, OMIM 175100. Disease mechanism: loss of function.

Submission:

Myriad Genetics, Inc.
Classification: Benign for Familial adenomatous polyposis 1. Last evaluated: 2024-03-18. Review status: criteria provided, single submitter. Criteria: Myriad Autosomal Dominant, Autosomal Recessive and X-Linked Classification Criteria (2023). Collection method: clinical testing. Allele origin: unknown.
Comment: This variant is considered benign. This variant is a silent/synonymous amino acid change and it is not expected to impact splicing.